The following is an entry in ClinVar:

NM_032108.4(SEMA6B):c.1650C>T (p.Gly550=)

Gene: SEMA6B (semaphorin 6B; minus strand). Cytogenetic location: 19p13.3.
Variant type: single nucleotide variant.
Coding change: c.1650C>T on transcript NM_032108.4 (MANE Select); coding-DNA position 1650, C replaced by T.
Protein change: p.Gly550=; no amino-acid change (glycine 550 retained).
Molecular consequence: synonymous variant.
Genome position (GRCh38, 1-based): chr19:4,546,421, G>A on the plus strand (C>T on the coding strand, the complement: SEMA6B is on the minus strand). VCF-style: chr19-4546421-G-A. GRCh37 (hg19) VCF-style: chr19-4546433-G-A.
Identifiers: ClinVar variation 2649070 (VCV002649070.24), dbSNP rs368030726, ClinGen allele CA9102391.
Genomic context (GRCh38, chr19:4,546,421, plus strand): 5'-ACCCTCCACCCACCTCCCTCTCCCGCAGTACCTGGTGCCCGGGCTGAGGAAGATGCAGGA[G>A]CCGTCGGGGGCCCACCCGCAGTAGGGGTCCTGACTGCCGATACAGTTCCTAGAGCAGACC-3'
Protein context (NP_115484.2, residues 540-560): QDPYCGWAPD[Gly550=]SCIFLSPGTR

ClinVar aggregate classification (germline): Likely benign (1 of 4 stars; one submission).

Allele frequency attached by ClinVar (database versions not stated): gnomAD 0.00001; gnomAD exomes 0.00002; TOPMed 0.00002; ExAC 0.00003; ESP Exome Variant Server 0.00008.
gnomAD v4.1: 26 of 1,580,380 alleles (0.0016%); highest among the groups gnomAD compares: Non-Finnish European, 0.0021%; no homozygotes.

Submission:

CeGaT Center for Human Genetics Tuebingen
Classification: Likely benign. Last evaluated: 2023-03-01. Review status: criteria provided, single submitter. Criteria: CeGaT Center For Human Genetics Tuebingen Variant Classification Criteria Version 2. Collection method: clinical testing. Allele origin: germline. Affected: yes. Observed: 1 variant allele.
Comment: SEMA6B: BP4, BP7